The following is an entry in ClinVar:

NM_001079802.2(FKTN):c.623G>T (p.Gly208Val)

Gene: FKTN (fukutin; plus strand). Cytogenetic location: 9q31.2.
Variant type: single nucleotide variant.
Coding change: c.623G>T on transcript NM_001079802.2 (MANE Select); coding-DNA position 623, G replaced by T.
Protein change: p.Gly208Val; replaces glycine 208 with valine.
Molecular consequence: missense variant. On other transcripts: non-coding transcript variant (2).
Genome position (GRCh38, 1-based): chr9:105,604,468, G>T. VCF-style: chr9-105604468-G-T. GRCh37 (hg19) VCF-style: chr9-108366749-G-T.
Other names: c.623G>T, p.Gly208Val (NM_001198963.2, NM_001351496.2, NM_001351498.2 and 1 more transcripts); c.554G>T, p.Gly185Val (NM_001351497.2); c.227G>T, p.Gly76Val (NM_001351499.2, NM_001351500.2, NM_001351501.2 and 1 more transcripts); short protein forms G185V, G208V, G76V.
Identifiers: ClinVar variation 1713327 (VCV001713327.6), dbSNP rs778048703, ClinGen allele CA374332396.

ClinVar aggregate classification (germline): Uncertain significance (1 of 4 stars; one submission).

Conditions:
Walker-Warburg congenital muscular dystrophy. Also called: Muscular dystrophy-dystroglycanopathy, type A; Walker-Warburg syndrome. Identifiers: Orphanet 899, MedGen C0265221, MONDO:0000171.
Muscular dystrophy-dystroglycanopathy (congenital without impaired intellectual development), type B, 4. Also called: Muscular dystrophy-dystroglycanopathy (congenital without intellectual disability), type B4; MUSCULAR DYSTROPHY, CONGENITAL, FKTN-RELATED. Identifiers: MedGen C2751052, MONDO:0013156, OMIM 613152.
Autosomal recessive limb-girdle muscular dystrophy type 2M. Also called: MUSCULAR DYSTROPHY-DYSTROGLYCANOPATHY (LIMB-GIRDLE), TYPE C, 4; MUSCULAR DYSTROPHY, LIMB-GIRDLE, TYPE 2M. Identifiers: Orphanet 206554, MedGen C1969040, MONDO:0012699, OMIM 611588.
Muscular dystrophy-dystroglycanopathy (congenital with brain and eye anomalies), type A, 4 (MDDGA4). Also called: Congenital muscular dystrophy-dystroglycanopathy with brain and eye anomalies, type A4; WALKER-WARBURG SYNDROME OR MUSCLE-EYE-BRAIN DISEASE, FKTN-RELATED; Walker-Warburg Syndrome, Fktn-Related; Muscular dystrophy, congenital progressive, with mental retardation; Muscular dystrophy, congenital, with central nervous system involvement; Cerebromuscular dystrophy, Fukuyama type. Identifiers: Orphanet 272, Orphanet 588, Orphanet 899, MedGen C0410174, MONDO:0009678, OMIM 253800.

gnomAD v4.1: 2 of 1,614,104 alleles (0.00012%); highest among the groups gnomAD compares: Non-Finnish European, 0.00017%; no homozygotes.

Submission:

Labcorp Genetics (formerly Invitae), Labcorp
Classification: Uncertain significance for Walker-Warburg congenital muscular dystrophy. Last evaluated: 2024-04-29. Review status: criteria provided, single submitter. Criteria: Invitae Variant Classification Sherloc (09022015). Collection method: clinical testing. Allele origin: germline.
Comment: This sequence change replaces glycine, which is neutral and non-polar, with valine, which is neutral and non-polar, at codon 208 of the FKTN protein (p.Gly208Val). This variant is not present in population databases (gnomAD no frequency). This variant has not been reported in the literature in individuals affected with FKTN-related conditions. ClinVar contains an entry for this variant (Variation ID: 1713327). Advanced modeling of protein sequence and biophysical properties (such as structural, functional, and spatial information, amino acid conservation, physicochemical variation, residue mobility, and thermodynamic stability) performed at Invitae indicates that this missense variant is not expected to disrupt FKTN protein function with a negative predictive value of 80%. In summary, the available evidence is currently insufficient to determine the role of this variant in disease. Therefore, it has been classified as a Variant of Uncertain Significance.